The following is an entry in ClinVar:

NM_003718.5(CDK13):c.3118A>G (p.Ile1040Val)

Gene: CDK13 (cyclin dependent kinase 13; plus strand). Cytogenetic location: 7p14.1.
Variant type: single nucleotide variant.
Coding change: c.3118A>G on transcript NM_003718.5 (MANE Select); coding-DNA position 3118, A replaced by G.
Protein change: p.Ile1040Val; replaces isoleucine 1040 with valine.
Molecular consequence: missense variant.
Genome position (GRCh38, 1-based): chr7:40,088,214, A>G. VCF-style: chr7-40088214-A-G. GRCh37 (hg19) VCF-style: chr7-40127813-A-G.
Other names: c.3118A>G, p.Ile1040Val (NM_031267.4); short protein forms I1040V.
Identifiers: ClinVar variation 3999571 (VCV003999571.2).

ClinVar aggregate classification (germline): Conflicting classifications of pathogenicity. Review status: criteria provided, conflicting classifications (1 of 4 stars). 2 submissions from 2 submitters: Uncertain significance (1); Likely benign (1). Last evaluated 2025-08-20.

Conditions:
Inborn genetic diseases. Identifiers: MedGen C0950123, MeSH D030342.

gnomAD v4.1: 12 of 1,613,996 alleles (0.00074%); highest among the groups gnomAD compares: African/African-American, 0.016%; no homozygotes.

Submissions (2):

Labcorp Genetics (formerly Invitae), Labcorp
Classification: Uncertain significance. Last evaluated: 2025-08-20. Review status: criteria provided, single submitter. Criteria: Invitae Variant Classification Sherloc (09022015). Collection method: clinical testing. Allele origin: germline.
Comment: This sequence change replaces isoleucine, which is neutral and non-polar, with valine, which is neutral and non-polar, at codon 1040 of the CDK13 protein (p.Ile1040Val). This variant is present in population databases (rs777416368, gnomAD 0.01%). This variant has not been reported in the literature in individuals affected with CDK13-related conditions. ClinVar contains an entry for this variant (Variation ID: 3999571). Invitae Evidence Modeling of protein sequence and biophysical properties (such as structural, functional, and spatial information, amino acid conservation, physicochemical variation, residue mobility, and thermodynamic stability) indicates that this missense variant is not expected to disrupt CDK13 protein function with a negative predictive value of 95%. In summary, the available evidence is currently insufficient to determine the role of this variant in disease. Therefore, it has been classified as a Variant of Uncertain Significance.

Ambry Genetics
Classification: Likely benign for Inborn genetic diseases. Last evaluated: 2025-04-03. Review status: criteria provided, single submitter. Criteria: Ambry Variant Classification Scheme 2023. Collection method: clinical testing. Allele origin: germline.